The following is an entry in ClinVar:

ClinVar aggregate classification (germline): Likely pathogenic (1 of 4 stars; one submission).

Conditions:
Meier-Gorlin syndrome 7. Identifiers: Orphanet 2554, MedGen C4310738, MONDO:0014894, OMIM 617063. Disease mechanism: loss of function.

Submission:

First Genomix Gene Laboratory, Genetic Diagnostics Department
Classification: Likely pathogenic for Meier-Gorlin syndrome 7. Last evaluated: 2025-06-19. Review status: criteria provided, single submitter. Criteria: ACMG Guidelines, 2015. Collection method: clinical testing. Allele origin: germline. Inheritance: Autosomal recessive inheritance. Affected: no. Observed: 1 variant allele.

NM_003504.5(CDC45):c.1490del (p.Leu497fs)

Gene: CDC45 (cell division cycle 45; plus strand). Cytogenetic location: 22q11.21.
Variant type: Deletion.
Coding change: c.1490del on transcript NM_003504.5 (MANE Select); coding-DNA position 1490, one base deleted (T; older notation c.1490delT).
Protein change: p.Leu497fs; shifts the reading frame from leucine 497.
Molecular consequence: frameshift variant. On other transcripts: non-coding transcript variant (1).
Genome position (GRCh38, 1-based): chr22:19,516,576, T deleted. VCF-style (leftmost placement, unchanged base first): chr22-19516575-CT-C. GRCh37 (hg19) VCF-style: chr22-19504098-CT-C.
Other names: c.1586delT (NM_001178010.2); c.1586del, p.Leu529fs (NM_001178010.2); c.1352del, p.Leu451fs (NM_001178011.2); c.1454del, p.Leu485fs (NM_001369291.1); short protein forms L451fs, L485fs, L497fs, L529fs.
Identifiers: ClinVar variation 4849392 (VCV004849392.1).